The following is an entry in ClinVar:

ClinVar aggregate classification (germline): Uncertain significance (1 of 4 stars; one submission).

Allele frequency attached by ClinVar (database versions not stated): gnomAD exomes below 0.00001.
gnomAD v4.1: 1 of 1,614,000 alleles (0.000062%); highest among the groups gnomAD compares: Non-Finnish European, 0.000085%; no homozygotes.

Submission:

Ambry Genetics
Classification: Uncertain significance. Last evaluated: 2023-02-28. Review status: criteria provided, single submitter. Criteria: Ambry Variant Classification Scheme 2023. Collection method: clinical testing. Allele origin: germline.
Comment: The p.K1386E variant (also known as c.4156A>G), located in coding exon 16 of the POLQ gene, results from an A to G substitution at nucleotide position 4156. The lysine at codon 1386 is replaced by glutamic acid, an amino acid with similar properties. This amino acid position is conserved. In addition, this alteration is predicted to be tolerated by in silico analysis. Since supporting evidence is limited at this time, the clinical significance of this alteration remains unclear.

NM_199420.4(POLQ):c.4156A>G (p.Lys1386Glu)

Gene: POLQ (DNA polymerase theta; minus strand). Cytogenetic location: 3q13.33.
Variant type: single nucleotide variant.
Coding change: c.4156A>G on transcript NM_199420.4 (MANE Select); coding-DNA position 4156, A replaced by G.
Protein change: p.Lys1386Glu; replaces lysine 1386 with glutamic acid.
Molecular consequence: missense variant.
Genome position (GRCh38, 1-based): chr3:121,488,775, T>C on the plus strand (A>G on the coding strand, the complement: POLQ is on the minus strand). VCF-style: chr3-121488775-T-C. GRCh37 (hg19) VCF-style: chr3-121207622-T-C.
Other names: short protein forms K1386E.
Identifiers: ClinVar variation 2497165 (VCV002497165.2), dbSNP rs2546786266, ClinGen allele CA354095961.